The following is an entry in ClinVar:

NM_007186.6(CEP250):c.5921A>T (p.His1974Leu)

Gene: CEP250 (centrosomal protein 250; plus strand). Cytogenetic location: 20q11.22.
Variant type: single nucleotide variant.
Coding change: c.5921A>T on transcript NM_007186.6 (MANE Select); coding-DNA position 5921, A replaced by T.
Protein change: p.His1974Leu; replaces histidine 1974 with leucine.
Molecular consequence: missense variant.
Genome position (GRCh38, 1-based): chr20:35,504,290, A>T. VCF-style: chr20-35504290-A-T. GRCh37 (hg19) VCF-style: chr20-34092118-A-T.
Other names: c.4025A>T, p.His1342Leu (NM_001318219.1); short protein forms H1974L, H1342L.
Identifiers: ClinVar variation 1518297 (VCV001518297.8), dbSNP rs374754443, ClinGen allele CA9833963.

ClinVar aggregate classification (germline): Uncertain significance (1 of 4 stars; one submission).

Submission:

Labcorp Genetics (formerly Invitae), Labcorp
Classification: Uncertain significance. Last evaluated: 2021-12-03. Review status: criteria provided, single submitter. Criteria: Invitae Variant Classification Sherloc (09022015). Collection method: clinical testing. Allele origin: germline.
Comment: This sequence change replaces histidine with leucine at codon 1974 of the CEP250 protein (p.His1974Leu). The histidine residue is weakly conserved and there is a moderate physicochemical difference between histidine and leucine. This variant is not present in population databases (gnomAD no frequency). This variant has not been reported in the literature in individuals affected with CEP250-related conditions. Algorithms developed to predict the effect of missense changes on protein structure and function are either unavailable or do not agree on the potential impact of this missense change (SIFT: "Not Available"; PolyPhen-2: "Benign"; Align-GVGD: "Not Available"). In summary, the available evidence is currently insufficient to determine the role of this variant in disease. Therefore, it has been classified as a Variant of Uncertain Significance.